The following is an entry in ClinVar:

NM_000143.4(FH):c.1046C>G (p.Pro349Arg)

Gene: FH (fumarate hydratase; minus strand). Cytogenetic location: 1q43.
Variant type: single nucleotide variant.
Coding change: c.1046C>G on transcript NM_000143.4 (MANE Select); coding-DNA position 1046, C replaced by G.
Protein change: p.Pro349Arg; replaces proline 349 with arginine.
Molecular consequence: missense variant.
Genome position (GRCh38, 1-based): chr1:241,504,104, G>C on the plus strand (C>G on the coding strand, the complement: FH is on the minus strand). VCF-style: chr1-241504104-G-C. GRCh37 (hg19) VCF-style: chr1-241667404-G-C.
Other names: short protein forms P349R.
Identifiers: ClinVar variation 480777 (VCV000480777.16), dbSNP rs1553341017, ClinGen allele CA345438145.

ClinVar aggregate classification (germline): Conflicting classifications of pathogenicity. Review status: criteria provided, conflicting classifications (1 of 4 stars). 2 submissions from 2 submitters: Likely pathogenic (1); Uncertain significance (1). Last evaluated 2025-10-02.

Conditions:
Hereditary cancer-predisposing syndrome. Also called: Hereditary Cancer Syndrome; Neoplastic Syndromes, Hereditary; Tumor predisposition; Hereditary neoplastic syndrome. Identifiers: Orphanet 140162, MedGen C0027672, MeSH D009386, MONDO:0015356.

Submissions (2):

Ambry Genetics
Classification: Likely pathogenic for Hereditary cancer-predisposing syndrome. Last evaluated: 2025-10-02. Review status: criteria provided, single submitter. Criteria: Ambry Variant Classification Scheme 2023. Collection method: clinical testing. Allele origin: germline.
Comment: The p.P349R variant (also known as c.1046C>G), located in coding exon 7 of the FH gene, results from a C to G substitution at nucleotide position 1046. The proline at codon 349 is replaced by arginine, an amino acid with dissimilar properties. This variant is considered to be rare based on population cohorts in the Genome Aggregation Database (gnomAD). This amino acid position is highly conserved in available vertebrate species. In addition, this alteration is predicted to be deleterious by in silico analysis. Based on the supporting evidence, this alteration is interpreted as a likely pathogenic in association with pheochromocytoma and paraganglioma (PPGL), however its association with other FH-related tumors, such as leiomyomas and renal cell cancer, is uncertain.

Labcorp Genetics (formerly Invitae), Labcorp
Classification: Uncertain significance. Last evaluated: 2022-11-04. Review status: criteria provided, single submitter. Criteria: Invitae Variant Classification Sherloc (09022015). Collection method: clinical testing. Allele origin: germline.
Comment: In summary, the available evidence is currently insufficient to determine the role of this variant in disease. Therefore, it has been classified as a Variant of Uncertain Significance. Advanced modeling of protein sequence and biophysical properties (such as structural, functional, and spatial information, amino acid conservation, physicochemical variation, residue mobility, and thermodynamic stability) performed at Invitae indicates that this missense variant is expected to disrupt FH protein function. ClinVar contains an entry for this variant (Variation ID: 480777). This variant has not been reported in the literature in individuals affected with FH-related conditions. This variant is not present in population databases (gnomAD no frequency). This sequence change replaces proline, which is neutral and non-polar, with arginine, which is basic and polar, at codon 349 of the FH protein (p.Pro349Arg).